The following is an entry in ClinVar:

NM_000238.4(KCNH2):c.278A>G (p.Lys93Arg)

Gene: KCNH2 (potassium voltage-gated channel subfamily H member 2; minus strand). Cytogenetic location: 7q36.1.
Variant type: single nucleotide variant.
Coding change: c.278A>G on transcript NM_000238.4 (MANE Select); coding-DNA position 278, A replaced by G.
Protein change: p.Lys93Arg; replaces lysine 93 with arginine.
Molecular consequence: missense variant.
Genome position (GRCh38, 1-based): chr7:150,974,740, T>C on the plus strand (A>G on the coding strand, the complement: KCNH2 is on the minus strand). VCF-style: chr7-150974740-T-C. GRCh37 (hg19) VCF-style: chr7-150671828-T-C.
Other names: c.101A>G, p.Lys34Arg (NM_001406755.1); c.278A>G, p.Lys93Arg (NM_172056.3); short protein forms K93R, K34R.
Identifiers: ClinVar variation 413325 (VCV000413325.23), dbSNP rs780197027, ClinGen allele CA034847.
Genomic context (GRCh38, chr7:150,974,740, plus strand): 5'-TGGTCGTGGCCCCGCCCCGGCCCGCTCCTACCATCTTTCCGGTAGAAGGCGATTTCCACT[T>C]TGCGCTCCTCGGCGCCCAGCAGTGCCTGCGCGATCTGCGCGGCAGCGCGGCGCTGCGTGC-3'
Protein context (NP_000229.1, residues 83-103): AQALLGAEER[Lys93Arg]VEIAFYRKDG

ClinVar aggregate classification (germline): Likely benign. Review status: criteria provided, multiple submitters, no conflicts (2 of 4 stars). 5 submissions from 5 submitters: Likely benign (5). Last evaluated 2026-01-16.

Conditions:
Cardiovascular phenotype. Identifiers: MedGen CN230736.
Cardiac arrhythmia. Also called: Arrhythmia; Cardiac rhythm disease. Identifiers: MedGen C0003811, MONDO:0007263, HP:0011675.
Long QT syndrome (LQTS). Identifiers: MedGen C0023976, MeSH D008133, MONDO:0002442. Disease mechanism: loss of function. Inheritance: Various modes of inheritance.

Allele frequency attached by ClinVar (database versions not stated): gnomAD below 0.00001 and 0.00003; gnomAD exomes 0.00010 and 0.00017; ExAC 0.00040.

Submissions (5):

Labcorp Genetics (formerly Invitae), Labcorp
Classification: Likely benign for Long QT syndrome. Last evaluated: 2026-01-16. Review status: criteria provided, single submitter. Criteria: Invitae Variant Classification Sherloc (09022015). Collection method: clinical testing. Allele origin: germline.

All of Us Research Program, National Institutes of Health
Classification: Likely benign for Long QT syndrome. Last evaluated: 2023-08-15. Review status: criteria provided, single submitter. Criteria: ACMG Guidelines, 2015. Collection method: clinical testing. Allele origin: germline. Inheritance: Autosomal dominant inheritance. Observed: 2 variant alleles, 2 heterozygotes.
Comment: This study involves interpretation of variants in research participants for the purpose of population health screening. Participant phenotype was not available at the time of variant classification. Additional details can be found in publication PMID: 35346344, PMCID: PMC8962531

GeneDx
Classification: Likely benign. Last evaluated: 2020-08-27. Review status: criteria provided, single submitter. Criteria: GeneDx Variant Classification Process June 2021. Collection method: clinical testing. Allele origin: germline. Affected: yes.
Comment: Identified in patients with LQTS in the literature, although no clinical information was provided (Itoh et al., 2016); Reported in ClinVar (ClinVar Variant ID# 413325; Landrum et al., 2016); In silico analysis supports that this missense variant does not alter protein structure/function; This variant is associated with the following publications: (PMID: 26669661, 28988457)

Color Diagnostics, LLC DBA Color Health
Classification: Likely benign for Arrhythmia. Last evaluated: 2018-10-30. Review status: criteria provided, single submitter. Criteria: ACMG Guidelines, 2015. Collection method: clinical testing. Allele origin: germline.

Ambry Genetics
Classification: Likely benign for Cardiovascular phenotype. Last evaluated: 2016-10-27. Review status: criteria provided, single submitter. Criteria: Ambry Variant Classification Scheme 2023. Collection method: clinical testing. Allele origin: germline.